The following is an entry in ClinVar:

ClinVar aggregate classification (germline): Uncertain significance (1 of 4 stars; one submission).

Conditions:
Adams-Oliver syndrome 5 (AOS5). Identifiers: Orphanet 974, MedGen C4014970, MONDO:0014459, OMIM 616028.

Submission:

Labcorp Genetics (formerly Invitae), Labcorp
Classification: Uncertain significance for Adams-Oliver syndrome 5. Last evaluated: 2023-10-11. Review status: criteria provided, single submitter. Criteria: Invitae Variant Classification Sherloc (09022015). Collection method: clinical testing. Allele origin: germline.
Comment: This sequence change replaces threonine, which is neutral and polar, with isoleucine, which is neutral and non-polar, at codon 671 of the NOTCH1 protein (p.Thr671Ile). This variant is not present in population databases (gnomAD no frequency). This variant has not been reported in the literature in individuals affected with NOTCH1-related conditions. An algorithm developed to predict the effect of missense changes on protein structure and function (PolyPhen-2) suggests that this variant is likely to be disruptive. In summary, the available evidence is currently insufficient to determine the role of this variant in disease. Therefore, it has been classified as a Variant of Uncertain Significance.

NM_017617.5(NOTCH1):c.2012C>T (p.Thr671Ile)

Gene: NOTCH1 (notch receptor 1; minus strand). Cytogenetic location: 9q34.3.
Variant type: single nucleotide variant.
Coding change: c.2012C>T on transcript NM_017617.5 (MANE Select); coding-DNA position 2012, C replaced by T.
Protein change: p.Thr671Ile; replaces threonine 671 with isoleucine.
Molecular consequence: missense variant.
Genome position (GRCh38, 1-based): chr9:136,515,292, G>A on the plus strand (C>T on the coding strand, the complement: NOTCH1 is on the minus strand). VCF-style: chr9-136515292-G-A. GRCh37 (hg19) VCF-style: chr9-139409744-G-A.
Other names: short protein forms T671I.
Identifiers: ClinVar variation 2967785 (VCV002967785.3), dbSNP rs2133362310, ClinGen allele CA375559037.
Genomic context (GRCh38, chr9:136,515,292, plus strand): 5'-TGGCTGACCTTGACCTCTGAGCACAGTGCAGTCAGCCCCCACGTGCAGGGCCGCTCACCT[G>A]TGTAGCCCGGCTCACAGGCACACTCGTAGCCATCGATCTTGTCCAGACAGGTGCCCGAGT-3'
Protein context (NP_060087.3, residues 661-681): GYECACEPGY[Thr671Ile]GSMCNINIDE